The following is an entry in ClinVar:

ClinVar aggregate classification (germline): Uncertain significance (1 of 4 stars; one submission).

Allele frequency attached by ClinVar (database versions not stated): gnomAD exomes below 0.00001; TOPMed below 0.00001.
gnomAD v4.1: 1 of 1,613,848 alleles (0.000062%); highest among the groups gnomAD compares: East Asian, 0.0022%; no homozygotes.

Submission:

Labcorp Genetics (formerly Invitae), Labcorp
Classification: Uncertain significance. Last evaluated: 2023-07-19. Review status: criteria provided, single submitter. Criteria: Invitae Variant Classification Sherloc (09022015). Collection method: clinical testing. Allele origin: germline.
Comment: This sequence change replaces glutamic acid, which is acidic and polar, with aspartic acid, which is acidic and polar, at codon 1807 of the RP1 protein (p.Glu1807Asp). This variant is not present in population databases (gnomAD no frequency). This variant has not been reported in the literature in individuals affected with RP1-related conditions. An algorithm developed to predict the effect of missense changes on protein structure and function (PolyPhen-2) suggests that this variant is likely to be disruptive. In summary, the available evidence is currently insufficient to determine the role of this variant in disease. Therefore, it has been classified as a Variant of Uncertain Significance.

NM_006269.2(RP1):c.5421A>C (p.Glu1807Asp)

Genes: RP1 (RP1 axonemal microtubule associated; plus strand), LOC126860392 (CDK7 strongly-dependent group 2 enhancer GRCh37_chr8:55541319-55542518; plus strand). Cytogenetic location: 8q12.1.
Variant type: single nucleotide variant.
Coding change: c.5421A>C on transcript NM_006269.2 (MANE Select); coding-DNA position 5421, A replaced by C.
Protein change: p.Glu1807Asp; replaces glutamic acid 1807 with aspartic acid.
Molecular consequence: missense variant. On other transcripts: intron variant (1).
Genome position (GRCh38, 1-based): chr8:54,629,303, A>C. VCF-style: chr8-54629303-A-C. GRCh37 (hg19) VCF-style: chr8-55541863-A-C.
Other names: c.787+7015A>C (NM_001375654.1); short protein forms E1807D.
Identifiers: ClinVar variation 2776692 (VCV002776692.3), dbSNP rs1806181163, ClinGen allele CA370986253.